The following is an entry in ClinVar:

NM_003504.5(CDC45):c.1217+6A>T

Gene: CDC45 (cell division cycle 45; plus strand). Cytogenetic location: 22q11.21.
Variant type: single nucleotide variant.
Coding change: c.1217+6A>T on transcript NM_003504.5 (MANE Select); 6 bases into the intron after coding-DNA position 1217, A replaced by T.
Molecular consequence: intron variant.
Genome position (GRCh38, 1-based): chr22:19,508,697, A>T. VCF-style: chr22-19508697-A-T. GRCh37 (hg19) VCF-style: chr22-19496220-A-T.
Other names: c.1181+6A>T (NM_001369291.1); c.1313+6A>T (NM_001178010.2); c.1079+6A>T (NM_001178011.2).
Identifiers: ClinVar variation 2016751 (VCV002016751.4), dbSNP rs1324738145, ClinGen allele CA638504128.

ClinVar aggregate classification (germline): Uncertain significance (1 of 4 stars; one submission).

Allele frequency attached by ClinVar (database versions not stated): gnomAD 0.00001; TOPMed 0.00001.
gnomAD v4.1: 6 of 1,613,288 alleles (0.00037%); highest among the groups gnomAD compares: Admixed American, 0.005%; no homozygotes.

Submission:

Labcorp Genetics (formerly Invitae), Labcorp
Classification: Uncertain significance. Last evaluated: 2022-10-24. Review status: criteria provided, single submitter. Criteria: Invitae Variant Classification Sherloc (09022015). Collection method: clinical testing. Allele origin: germline.
Comment: This sequence change falls in intron 14 of the CDC45 gene. It does not directly change the encoded amino acid sequence of the CDC45 protein. It affects a nucleotide within the consensus splice site. This variant is present in population databases (no rsID available, gnomAD 0.003%). This variant has not been reported in the literature in individuals affected with CDC45-related conditions. Variants that disrupt the consensus splice site are a relatively common cause of aberrant splicing (PMID: 17576681, 9536098). Algorithms developed to predict the effect of sequence changes on RNA splicing suggest that this variant is not likely to affect RNA splicing. In summary, the available evidence is currently insufficient to determine the role of this variant in disease. Therefore, it has been classified as a Variant of Uncertain Significance.

Literature cited by the submitters: PubMed 17576681; PubMed 9536098.